The following is an entry in ClinVar:

ClinVar aggregate classification (germline): Uncertain significance (1 of 4 stars; one submission).

Conditions:
Granulomatous disease, chronic, X-linked. Also called: CYTOCHROME b-NEGATIVE GRANULOMATOUS DISEASE, CHRONIC, X-LINKED; GRANULOMATOUS DISEASE, CHRONIC, X-LINKED, SOMATIC MOSAIC. Identifiers: Orphanet 379, MedGen C1844376, MONDO:0010600, OMIM 306400.

Allele frequency attached by ClinVar (database versions not stated): TOPMed below 0.00001; gnomAD 0.00001; 1000 Genomes Project 30x 0.00021; 1000 Genomes Project 0.00026.
gnomAD v4.1: 1 of 1,208,281 alleles (0.000083%); highest among the groups gnomAD compares: East Asian, 0.003%; no homozygotes.

Submission:

Labcorp Genetics (formerly Invitae), Labcorp
Classification: Uncertain significance for Granulomatous disease, chronic, X-linked. Last evaluated: 2025-04-07. Review status: criteria provided, single submitter. Criteria: Invitae Variant Classification Sherloc (09022015). Collection method: clinical testing. Allele origin: germline.
Comment: This sequence change falls in intron 10 of the CYBB gene. It does not directly change the encoded amino acid sequence of the CYBB protein. It affects a nucleotide within the consensus splice site. This variant is not present in population databases (gnomAD no frequency). This variant has not been reported in the literature in individuals affected with CYBB-related conditions. ClinVar contains an entry for this variant (Variation ID: 2149730). Variants that disrupt the consensus splice site are a relatively common cause of aberrant splicing (PMID: 17576681, 9536098). Algorithms developed to predict the effect of sequence changes on RNA splicing suggest that this variant is not likely to affect RNA splicing. In summary, the available evidence is currently insufficient to determine the role of this variant in disease. Therefore, it has been classified as a Variant of Uncertain Significance.

Literature cited by the submitters: PubMed 17576681; PubMed 9536098.

NM_000397.4(CYBB):c.1314+5G>A

Gene: CYBB (cytochrome b-245 beta chain; plus strand). Cytogenetic location: Xp11.4.
Variant type: single nucleotide variant.
Coding change: c.1314+5G>A on transcript NM_000397.4 (MANE Select); 5 bases into the intron after coding-DNA position 1314, G replaced by A.
Molecular consequence: intron variant.
Genome position (GRCh38, 1-based): chrX:37,805,173, G>A. VCF-style: chrX-37805173-G-A. GRCh37 (hg19) VCF-style: chrX-37664426-G-A.
Identifiers: ClinVar variation 2149730 (VCV002149730.3), dbSNP rs782353073, ClinGen allele CA328041617.